The following is an entry in ClinVar:

ClinVar aggregate classification (germline): Uncertain significance (1 of 4 stars; one submission).

gnomAD v4.1: 1 of 1,614,036 alleles (0.000062%); highest among the groups gnomAD compares: Non-Finnish European, 0.000085%; no homozygotes.

Submission:

GeneDx
Classification: Uncertain significance. Last evaluated: 2024-08-13. Review status: criteria provided, single submitter. Criteria: GeneDx Variant Classification Process June 2021. Collection method: clinical testing. Allele origin: germline. Affected: yes.
Comment: Not observed at significant frequency in large population cohorts (gnomAD); In silico analysis supports that this missense variant has a deleterious effect on protein structure/function; Has not been previously published as pathogenic or benign to our knowledge

NM_080680.3(COL11A2):c.661T>C (p.Cys221Arg)

Gene: COL11A2 (collagen type XI alpha 2 chain; minus strand). Cytogenetic location: 6p21.32.
Variant type: single nucleotide variant.
Coding change: c.661T>C on transcript NM_080680.3 (MANE Select); coding-DNA position 661, T replaced by C.
Protein change: p.Cys221Arg; replaces cysteine 221 with arginine.
Molecular consequence: missense variant. On other transcripts: 5 prime UTR variant (3), non-coding transcript variant (1).
Genome position (GRCh38, 1-based): chr6:33,186,764, A>G on the plus strand (T>C on the coding strand, the complement: COL11A2 is on the minus strand). VCF-style: chr6-33186764-A-G. GRCh37 (hg19) VCF-style: chr6-33154541-A-G.
Other names: c.661T>C, p.Cys221Arg (NM_001163771.2, NM_001424108.1, NM_080679.3 and 1 more transcripts); c.-186T>C (NM_001424109.1, NM_001424110.1, NM_001424111.1); short protein forms C221R.
Identifiers: ClinVar variation 3730882 (VCV003730882.1).